The following is an entry in ClinVar:

NM_000330.4(RS1):c.274T>A (p.Trp92Arg)

Genes: CDKL5 (cyclin dependent kinase like 5; plus strand), RS1 (retinoschisin 1; minus strand). Cytogenetic location: Xp22.13.
Variant type: single nucleotide variant.
Coding change: c.274T>A on transcript NM_000330.4 (MANE Select); coding-DNA position 274, T replaced by A.
Protein change: p.Trp92Arg; replaces tryptophan 92 with arginine.
Molecular consequence: missense variant. On other transcripts: intron variant (2).
Genome position (GRCh38, 1-based): chrX:18,647,243, A>T on the plus strand (T>A on the coding strand, the complement: RS1 is on the minus strand). VCF-style: chrX-18647243-A-T. GRCh37 (hg19) VCF-style: chrX-18665363-A-T.
Other names: NM_003159.3:c.2797+1153A>T; c.2797+1153A>T (NM_003159.3, NM_001037343.2); short protein forms W92R.
Identifiers: ClinVar variation 4976893 (VCV004976893.1).
Genomic context (GRCh38, chrX:18,647,243, plus strand): 5'-CTGCTTACCCAAAGCCTTGACTGTTGAGCCGGGCCTTGTTTGCAGTCCACGAAGAATACC[A>T]GCCCACATACTGCTCCGGGTTAGAGCAGGTGATCTGGTCCGGTGTGACCTCCCCTGACTC-3'
Protein context (NP_000321.1, residues 82-102): TCSNPEQYVG[Trp92Arg]YSSWTANKAR

ClinVar aggregate classification (germline): Uncertain significance (3 of 4 stars; one submission).

Conditions:
Juvenile retinoschisis (RS1). Also called: X-Linked Juvenile Retinoschisis; X-linked retinoschisis. Identifiers: Orphanet 792, MedGen C3714753, MONDO:0010725, OMIM 312700.

Submission:

ClinGen X-linked Inherited Retinal Disease Variant Curation Expert Panel, ClinGen
Classification: Uncertain significance for Juvenile retinoschisis. Last evaluated: 2026-09-26. Review status: reviewed by expert panel. Criteria: ClinGen X LinkedIRD ACMG Specifications RS1 V1.0.0. Collection method: curation. Allele origin: germline. Inheritance: X-linked inheritance.
Comment: The NM_000330.4(RS1):c.274T>A (p.Trp92Arg) variant is a missense variant encoding the substitution of Tryptophane and Arginine at amino acid 92. This variant is absent from hemizygous individuals in gnomAD v4.1.0 (PM2_Supporting). The computational predictor REVEL gives a score of 0.948, which is above the ClinGen X-linked IRD VCEP threshold of >0.932 and predicts a damaging effect on RS1 function (PP3_strong). The computational splicing predictor SpliceAI gives a delta score of 0.02 for donor gain, which is below the ClinGen X-linked IRD VCEP threshold of >0.2 and does not predict that the variant disrupts RS1 splicing. Another missense variant in the same codon, NM_000330.4(RS1):c.276G>C (p.Trp92Cys), (PMIDs: 9760195, 10636421, 28348004, 28272453, 31106028, 33608557, 34624300, 20809529) has been classified as pathogenic for X-linked retinoschisis by the ClinGen X-linked IRD VCEP, while no benign missense variants have been identified in this codon. The present variant has a lower Grantham’s distance (101) than the comparison variant (215), and therefore, the PM5 code does not meet. This variant has been reported in at least 1 proband meeting the PS4 requirement of a male diagnosed with XLRS (PMID: 34624300). PS4_Supporting requires at least 2 unrelated probands, so this criterion was not met. In summary, this variant is classified as a variant of uncertain significance for X-linked retinoschisis based on the ClinGen X-linked Inherited Retinal Disease Expert Panel Specifications to the ACMG/AMP Variant Interpretation Guidelines for RS1 Version 1.0.0: PM2_Supporting, and PP3_Strong.